The following is an entry in ClinVar:

NM_002519.3(NPAT):c.3515G>T (p.Cys1172Phe)

Gene: NPAT (nuclear protein, coactivator of histone transcription; minus strand). Cytogenetic location: 11q22.3.
Variant type: single nucleotide variant.
Coding change: c.3515G>T on transcript NM_002519.3 (MANE Select); coding-DNA position 3515, G replaced by T.
Protein change: p.Cys1172Phe; replaces cysteine 1172 with phenylalanine.
Molecular consequence: missense variant.
Genome position (GRCh38, 1-based): chr11:108,161,571, C>A on the plus strand (G>T on the coding strand, the complement: NPAT is on the minus strand). VCF-style: chr11-108161571-C-A. GRCh37 (hg19) VCF-style: chr11-108032298-C-A.
Other names: c.3536G>T, p.Cys1179Phe (NM_001321307.1); short protein forms C1179F, C1172F.
Identifiers: ClinVar variation 1732201 (VCV001732201.2), dbSNP rs2496695749, ClinGen allele CA382510638.
Genomic context (GRCh38, chr11:108,161,571, plus strand): 5'-TTTTGCTGCCCAATAGATAGTTTTGAATTTTCTGGATTTTTCTGTCTTTCTACATCGCTG[C>A]ATAATTCATTCTCCTTATTAGCTGTTGCTTTATGGAAAGATTCAAGCACAATTTCTGTTG-3'
Protein context (NP_002510.2, residues 1162-1182): KATANKENEL[Cys1172Phe]SDVERQKNPE

ClinVar aggregate classification (germline): Uncertain significance (1 of 4 stars; one submission).

Submission:

Ambry Genetics
Classification: Uncertain significance. Last evaluated: 2024-01-11. Review status: criteria provided, single submitter. Criteria: Ambry Variant Classification Scheme 2023. Collection method: clinical testing. Allele origin: germline.
Comment: The p.C1172F variant (also known as c.3515G>T), located in coding exon 17 of the NPAT gene, results from a G to T substitution at nucleotide position 3515. The cysteine at codon 1172 is replaced by phenylalanine, an amino acid with highly dissimilar properties. This amino acid position is conserved. In addition, this alteration is predicted to be tolerated by in silico analysis. Since supporting evidence is limited at this time, the clinical significance of this alteration remains unclear.